The following is an entry in ClinVar:

NM_015910.7(WDPCP):c.1731C>A (p.Phe577Leu)

Gene: WDPCP (WD repeat containing planar cell polarity effector; minus strand). Cytogenetic location: 2p15.
Variant type: single nucleotide variant.
Coding change: c.1731C>A on transcript NM_015910.7 (MANE Select); coding-DNA position 1731, C replaced by A.
Protein change: p.Phe577Leu; replaces phenylalanine 577 with leucine.
Molecular consequence: missense variant. On other transcripts: non-coding transcript variant (3).
Genome position (GRCh38, 1-based): chr2:63,378,403, G>T on the plus strand (C>A on the coding strand, the complement: WDPCP is on the minus strand). VCF-style: chr2-63378403-G-T. GRCh37 (hg19) VCF-style: chr2-63605538-G-T.
Other names: c.1254C>A, p.Phe418Leu (NM_001042692.3); c.1659C>A, p.Phe553Leu (NM_001354044.2); c.1731C>A, p.Phe577Leu (NM_001354045.2); short protein forms F418L, F553L, F577L.
Identifiers: ClinVar variation 897669 (VCV000897669.8), dbSNP rs778132438, ClinGen allele CA1682151.

ClinVar aggregate classification (germline): Uncertain significance. Review status: criteria provided, multiple submitters, no conflicts (2 of 4 stars). 2 submissions from 2 submitters: Uncertain significance (2). Last evaluated 2022-03-07.

Conditions:
Bardet-Biedl syndrome 15 (BBS15). Identifiers: Orphanet 110, MedGen C3150127, MONDO:0014443, OMIM 615992.
Bardet-Biedl syndrome (BBS). Identifiers: Orphanet 110, MedGen C0752166, MONDO:0015229.

Allele frequency attached by ClinVar (database versions not stated): TOPMed 0.00002.
gnomAD v4.1: 28 of 1,612,974 alleles (0.0017%); highest among the groups gnomAD compares: Non-Finnish European, 0.0022%; no homozygotes.

Submissions (2):

Labcorp Genetics (formerly Invitae), Labcorp
Classification: Uncertain significance for Bardet-Biedl syndrome. Last evaluated: 2022-03-07. Review status: criteria provided, single submitter. Criteria: Invitae Variant Classification Sherloc (09022015). Collection method: clinical testing. Allele origin: germline.
Comment: In summary, the available evidence is currently insufficient to determine the role of this variant in disease. Therefore, it has been classified as a Variant of Uncertain Significance. Algorithms developed to predict the effect of missense changes on protein structure and function output the following: SIFT: "Tolerated"; PolyPhen-2: "Benign"; Align-GVGD: "Class C0". The leucine amino acid residue is found in multiple mammalian species, which suggests that this missense change does not adversely affect protein function. ClinVar contains an entry for this variant (Variation ID: 897669). This variant has not been reported in the literature in individuals affected with WDPCP-related conditions. This variant is present in population databases (rs778132438, gnomAD 0.003%). This sequence change replaces phenylalanine, which is neutral and non-polar, with leucine, which is neutral and non-polar, at codon 577 of the WDPCP protein (p.Phe577Leu).

Illumina Laboratory Services, Illumina
Classification: Uncertain significance for Bardet-Biedl syndrome 15. Last evaluated: 2018-01-12. Review status: criteria provided, single submitter. Criteria: ICSL Variant Classification Criteria 13 December 2019. Collection method: clinical testing. Allele origin: germline.